The following is an entry in ClinVar:

NM_000543.5(SMPD1):c.1132C>A (p.Arg378Ser)

Gene: SMPD1 (sphingomyelin phosphodiesterase 1; plus strand). Cytogenetic location: 11p15.4.
Variant type: single nucleotide variant.
Coding change: c.1132C>A on transcript NM_000543.5 (MANE Select); coding-DNA position 1132, C replaced by A.
Protein change: p.Arg378Ser; replaces arginine 378 with serine.
Molecular consequence: missense variant. On other transcripts: non-coding transcript variant (1), intron variant (1).
Genome position (GRCh38, 1-based): chr11:6,393,256, C>A. VCF-style: chr11-6393256-C-A. GRCh37 (hg19) VCF-style: chr11-6414486-C-A.
Other names: c.1129C>A, p.Arg377Ser (NM_001007593.3); c.1132C>A, p.Arg378Ser (NM_001318087.2); c.211C>A, p.Arg71Ser (NM_001318088.2); c.1132-361C>A (NM_001365135.2); c.1132C>A (NM_000543.4); short protein forms R71S, R378S, R377S.
Identifiers: ClinVar variation 2145477 (VCV002145477.6), dbSNP rs369088417, ClinGen allele CA5852796.

ClinVar aggregate classification (germline): Conflicting classifications of pathogenicity. Review status: criteria provided, conflicting classifications (1 of 4 stars). 3 submissions from 3 submitters: Likely pathogenic (2); Uncertain significance (1). Last evaluated 2025-12-02.

Conditions:
Niemann-Pick disease, type B. Also called: Chronic Visceral ASMD (Niemann-Pick Disease Type B; NPD-B). Identifiers: Orphanet 77293, MedGen C0268243, MONDO:0011871, OMIM 607616. Disease mechanism: loss of function.
Niemann-Pick disease, type A. Also called: SPHINGOMYELIN LIPIDOSIS; SPHINGOMYELINASE DEFICIENCY; Infantile Neurovisceral ASMD (Niemann-Pick Disease Type A; NPD-A). Identifiers: Orphanet 77292, MedGen C0268242, MONDO:0009756, OMIM 257200. Disease mechanism: loss of function.

gnomAD v4.1: 13 of 1,613,822 alleles (0.00081%); highest among the groups gnomAD compares: Non-Finnish European, 0.0011%; no homozygotes.

Submissions (3):

Labcorp Genetics (formerly Invitae), Labcorp
Classification: Likely pathogenic for Niemann-Pick disease, type B; Niemann-Pick disease, type A. Last evaluated: 2025-12-02. Review status: criteria provided, single submitter. Criteria: Invitae Variant Classification Sherloc (09022015). Collection method: clinical testing. Allele origin: germline.
Comment: This sequence change replaces arginine, which is basic and polar, with serine, which is neutral and polar, at codon 378 of the SMPD1 protein (p.Arg378Ser). This variant is present in population databases (rs369088417, gnomAD 0.002%). This variant has not been reported in the literature in individuals affected with SMPD1-related conditions. ClinVar contains an entry for this variant (Variation ID: 2145477). Invitae Evidence Modeling of protein sequence and biophysical properties (such as structural, functional, and spatial information, amino acid conservation, physicochemical variation, residue mobility, and thermodynamic stability) has been performed for this missense variant. However, the output from this modeling did not meet the statistical confidence thresholds required to predict the impact of this variant on SMPD1 protein function. This variant disrupts the p.Arg378 amino acid residue in SMPD1. Other variant(s) that disrupt this residue have been determined to be pathogenic (PMID: 15877209, 17011332, 19405096, 23252888; internal data). This suggests that this residue is clinically significant, and that variants that disrupt this residue are likely to be disease-causing. In summary, the currently available evidence indicates that the variant is pathogenic, but additional data are needed to prove that conclusively. Therefore, this variant has been classified as Likely Pathogenic.

Fulgent Genetics
Classification: Likely pathogenic for Niemann-Pick disease, type A; Niemann-Pick disease, type B. Last evaluated: 2024-04-29. Review status: criteria provided, single submitter. Criteria: ACMG Guidelines, 2015. Collection method: clinical testing. Allele origin: germline.

Women's Health and Genetics/Laboratory Corporation of America, LabCorp
Classification: Uncertain significance. Last evaluated: 2023-07-26. Review status: criteria provided, single submitter. Criteria: LabCorp Variant Classification Summary - May 2015. Collection method: clinical testing. Allele origin: germline.
Comment: Variant summary: SMPD1 c.1132C>A (p.Arg378Ser) results in a non-conservative amino acid change located in the Calcineurin-like phosphoesterase domain, ApaH type domain (IPR004843) of the encoded protein sequence. Four of four in-silico tools predict a damaging effect of the variant on protein function. The variant allele was found at a frequency of 4e-06 in 249208 control chromosomes. The available data on variant occurrences in the general population are insufficient to allow any conclusion about variant significance. To our knowledge, no occurrence of c.1132C>A in individuals affected with Niemann-Pick Disease and no experimental evidence demonstrating its impact on protein function have been reported. One submitter has cited clinical-significance assessments for this variant to ClinVar after 2014 and has classified the variant as likely pathogenic. Based on the evidence outlined above, the variant was classified as uncertain significance.

Literature cited by the submitters: PubMed 15877209 (cited by Labcorp Genetics (formerly Invitae), Labcorp); PubMed 17011332 (cited by Labcorp Genetics (formerly Invitae), Labcorp); PubMed 19405096 (cited by Labcorp Genetics (formerly Invitae), Labcorp); PubMed 23252888 (cited by Labcorp Genetics (formerly Invitae), Labcorp).